The following is an entry in ClinVar:

ClinVar aggregate classification (germline): Benign. Review status: criteria provided, multiple submitters, no conflicts (2 of 4 stars). 9 submissions from 9 submitters: Benign (9). Last evaluated 2026-02-04.

Conditions:
Primary pulmonary hypertension. Also called: Idiopathic pulmonary hypertension. Identifiers: MedGen C0152171.
Pulmonary hypertension, primary, 1 (PPH1). Also called: Pulmonary hypertension, familial primary, 1, with or without HHT. Identifiers: Orphanet 422, MedGen C4552070, MONDO:0024533, OMIM 178600.

Allele frequency attached by ClinVar (database versions not stated): TOPMed 0.08524; gnomAD 0.08705 and 0.09300; ESP Exome Variant Server 0.09173; 1000 Genomes Project 30x 0.11384; 1000 Genomes Project 0.11641; gnomAD exomes 0.11898 and 0.12013; ExAC 0.12026.
gnomAD v4.1: 189,891 of 1,613,998 alleles (12%); highest among the groups gnomAD compares: South Asian, 23%; 12,623 homozygotes.

Submissions (9):

Labcorp Genetics (formerly Invitae), Labcorp
Classification: Benign for Primary pulmonary hypertension. Last evaluated: 2026-02-04. Review status: criteria provided, single submitter. Criteria: Invitae Variant Classification Sherloc (09022015). Collection method: clinical testing. Allele origin: germline.

ARUP Laboratories, Molecular Genetics and Genomics, ARUP Laboratories
Classification: Benign. Last evaluated: 2025-07-29. Review status: criteria provided, single submitter. Criteria: ARUP Molecular Germline Variant Investigation Process 2024. Collection method: clinical testing. Allele origin: germline.

Blueprint Genetics
Classification: Benign. Last evaluated: 2024-11-26. Review status: criteria provided, single submitter. Criteria: ACMG Guidelines, 2015. Collection method: clinical testing. Allele origin: germline.

Mayo Clinic Laboratories, Mayo Clinic
Classification: Benign. Last evaluated: 2022-04-26. Review status: criteria provided, single submitter. Criteria: ACMG Guidelines, 2015. Collection method: clinical testing. Allele origin: germline. Observed: 92 variant alleles.

Illumina Laboratory Services, Illumina
Classification: Benign for Pulmonary hypertension, primary, 1. Last evaluated: 2018-01-13. Review status: criteria provided, single submitter. Criteria: ICSL Variant Classification Criteria 13 December 2019. Collection method: clinical testing. Allele origin: germline.
Comment: This variant was observed in the ICSL laboratory as part of a predisposition screen in an ostensibly healthy population. It had not been previously curated by ICSL or reported in the Human Gene Mutation Database (HGMD: prior to June 1st, 2018), and was therefore a candidate for classification through an automated scoring system. Utilizing variant allele frequency, disease prevalence and penetrance estimates, and inheritance mode, an automated score was calculated to assess if this variant is too frequent to cause the disease. Based on the score and internal cut-off values, a variant classified as benign is not then subjected to further curation. The score for this variant resulted in a classification of benign for this disease.

GeneDx
Classification: Benign. Last evaluated: 2013-11-06. Review status: criteria provided, single submitter. Criteria: GeneDx Variant Classification (06012015). Collection method: clinical testing. Allele origin: germline. Affected: yes.
Comment: This variant is considered likely benign or benign based on one or more of the following criteria: it is a conservative change, it occurs at a poorly conserved position in the protein, it is predicted to be benign by multiple in silico algorithms, and/or has population frequency not consistent with disease.

Laboratory for Molecular Medicine, Mass General Brigham Personalized Medicine
Classification: Benign. Last evaluated: 2013-02-21. Review status: criteria provided, single submitter. Criteria: LMM Criteria. Collection method: clinical testing. Allele origin: germline. Observed: 13 variant alleles.
Comment: Arg937Arg in exon 12 of BMPR2: This variant is not expected to have clinical sig nificance because it does not alter an amino acid residue and is not located wit hin the splice consensus sequence. It has been identified in 12.6% (1085/8600) o f European American chromosomes from a broad population by the NHLBI Exome Seque ncing Project (dbSNP rs1061157).

Breakthrough Genomics
Classification: Benign. Review status: criteria provided, single submitter. Criteria: ACMG Guidelines, 2015. Collection method: not provided. Allele origin: germline. Inheritance: Autosomal dominant inheritance. Affected: yes.

PreventionGenetics, part of Exact Sciences
Classification: Benign. Review status: criteria provided, single submitter. Criteria: ACMG Guidelines, 2015. Collection method: clinical testing. Allele origin: germline.

NM_001204.7(BMPR2):c.2811G>A (p.Arg937=)

Gene: BMPR2 (bone morphogenetic protein receptor type 2; plus strand). Cytogenetic location: 2q33.2.
Variant type: single nucleotide variant.
Coding change: c.2811G>A on transcript NM_001204.7 (MANE Select); coding-DNA position 2811, G replaced by A.
Protein change: p.Arg937=; no amino-acid change (arginine 937 retained).
Molecular consequence: synonymous variant.
Genome position (GRCh38, 1-based): chr2:202,556,476, G>A. VCF-style: chr2-202556476-G-A. GRCh37 (hg19) VCF-style: chr2-203421199-G-A.
Other names: p.R937R:AGG>AGA; p.Arg937=.
Identifiers: ClinVar variation 136529 (VCV000136529.35), dbSNP rs1061157, ClinGen allele CA295465.